The following is an entry in ClinVar:

NM_001393769.1(MED12L):c.5834A>T (p.Asp1945Val)

Gene: MED12L (mediator complex subunit 12L; plus strand). Cytogenetic location: 3q25.1.
Variant type: single nucleotide variant.
Coding change: c.5834A>T on transcript NM_001393769.1 (MANE Select); coding-DNA position 5834, A replaced by T.
Protein change: p.Asp1945Val; replaces aspartic acid 1945 with valine.
Molecular consequence: missense variant.
Genome position (GRCh38, 1-based): chr3:151,409,256, A>T. VCF-style: chr3-151409256-A-T. GRCh37 (hg19) VCF-style: chr3-151127044-A-T.
Other names: c.5729A>T, p.Asp1910Val (NM_053002.6); short protein forms D1910V, D1945V.
Identifiers: ClinVar variation 2442481 (VCV002442481.1), dbSNP rs2474191234, ClinGen allele CA354980366.

ClinVar aggregate classification (germline): Uncertain significance (1 of 4 stars; one submission).

Allele frequency attached by ClinVar (database versions not stated): gnomAD exomes below 0.00001.
gnomAD v4.1: 1 of 1,600,334 alleles (0.000062%); highest among the groups gnomAD compares: Non-Finnish European, 0.000085%; no homozygotes.

Submission:

GeneDx
Classification: Uncertain significance. Last evaluated: 2022-08-30. Review status: criteria provided, single submitter. Criteria: GeneDx Variant Classification Process June 2021. Collection method: clinical testing. Allele origin: germline. Affected: yes.
Comment: Not observed at significant frequency in large population cohorts (gnomAD); In silico analysis supports that this missense variant does not alter protein structure/function; Has not been previously published as pathogenic or benign to our knowledge